The following is an entry in ClinVar:

ClinVar aggregate classification (germline): Uncertain significance (1 of 4 stars; one submission).

Conditions:
Hereditary cancer-predisposing syndrome. Also called: Hereditary Cancer Syndrome; Hereditary neoplastic syndrome; Tumor predisposition; Neoplastic Syndromes, Hereditary. Identifiers: Orphanet 140162, MedGen C0027672, MeSH D009386, MONDO:0015356.

Submission:

Ambry Genetics
Classification: Uncertain significance for Hereditary cancer-predisposing syndrome. Last evaluated: 2020-01-06. Review status: criteria provided, single submitter. Criteria: Ambry Variant Classification Scheme 2023. Collection method: clinical testing. Allele origin: germline.
Comment: The p.L778I variant (also known as c.2332C>A), located in coding exon 4 of the MSH6 gene, results from a C to A substitution at nucleotide position 2332. The leucine at codon 778 is replaced by isoleucine, an amino acid with highly similar properties. This amino acid position is highly conserved in available vertebrate species. In addition, the in silico prediction for this alteration is inconclusive. Since supporting evidence is limited at this time, the clinical significance of this alteration remains unclear.

NM_000179.3(MSH6):c.2332C>A (p.Leu778Ile)

Gene: MSH6 (mutS homolog 6; plus strand). Cytogenetic location: 2p16.3.
Variant type: single nucleotide variant.
Coding change: c.2332C>A on transcript NM_000179.3 (MANE Select); coding-DNA position 2332, C replaced by A.
Protein change: p.Leu778Ile; replaces leucine 778 with isoleucine.
Molecular consequence: missense variant.
Genome position (GRCh38, 1-based): chr2:47,800,315, C>A. VCF-style: chr2-47800315-C-A. GRCh37 (hg19) VCF-style: chr2-48027454-C-A.
Other names: c.1942C>A, p.Leu648Ile (NM_001281492.2); c.1426C>A, p.Leu476Ile (NM_001281493.2, NM_001281494.2, NM_001406811.1 and 6 more transcripts); c.2428C>A, p.Leu810Ile (NM_001406795.1, NM_001406802.1); c.2332C>A, p.Leu778Ile (NM_001406796.1, NM_001406798.1, NM_001406800.1 and 2 more transcripts); c.2035C>A, p.Leu679Ile (NM_001406797.1, NM_001406801.1, NM_001406805.1 and 10 more transcripts); c.1807C>A, p.Leu603Ile (NM_001406799.1, NM_001406806.1, NM_001406807.1); c.2254C>A, p.Leu752Ile (NM_001406804.1); c.2338C>A, p.Leu780Ile (NM_001406813.1); and 1 more; short protein forms L603I, L476I, L648I, L810I, L679I, L722I, L780I, L752I.
Identifiers: ClinVar variation 1789739 (VCV001789739.2), dbSNP rs1276682605, ClinGen allele CA346753370.